The following continues an entry in ClinVar:

NM_000518.5(HBB):c.92+5G>C

ClinVar aggregate classification (germline): Pathogenic. Pathogenic (1).

Submissions 7 to 20 of 49:

Labcorp Genetics (formerly Invitae), Labcorp
Classification: Pathogenic. Last evaluated: 2026-01-13. Review status: criteria provided, single submitter. Criteria: Invitae Variant Classification Sherloc (09022015). Collection method: clinical testing. Allele origin: germline. Not counted in ClinVar's aggregate classification.
Comment: This sequence change falls in intron 1 of the HBB gene. It does not directly change the encoded amino acid sequence of the HBB protein. It affects a nucleotide within the consensus splice site. This variant is present in population databases (rs33915217, gnomAD 0.5%), and has an allele count higher than expected for a pathogenic variant. This variant has been observed in individuals with beta thalassemia (PMID: 18294253, 19000664, 22392582, 23162295, 27263053). It is commonly reported in individuals of Pakistani and Indian ancestry (PMID: 18294253, 19000664, 22392582, 23162295, 27263053). This variant is also known as IVS-I-5, IVSI-5, and IVS1-5. ClinVar contains an entry for this variant (Variation ID: 15447). Variants that disrupt the consensus splice site are a relatively common cause of aberrant splicing (PMID: 17576681, 9536098). Studies have shown that this variant alters mRNA splicing and is expected to lead to the loss of protein expression (PMID: 6188062). For these reasons, this variant has been classified as Pathogenic.

3billion
Classification: Pathogenic for Beta-thalassemia HBB/LCRB. Last evaluated: 2026-01-07. Review status: criteria provided, single submitter. Criteria: ACMG Guidelines, 2015. Collection method: clinical testing. Allele origin: germline. Affected: yes. Not counted in ClinVar's aggregate classification.
Comment: The variant is observed at an extremely low frequency in the gnomAD v4.1.0 dataset (total allele frequency: 0.029%). Predicted Consequence/Location: Intron variant Functional studies provide moderate evidence of the variant having a damaging effect on the gene or gene product (PMID: 6188062). In silico tools predict the variant to alter splicing and produce an abnormal transcript [SpliceAI: 0.82 (>=0.2, moderate evidence for spliceogenicity)]. The variant has been reported to be in trans with a pathogenic variant as either compound heterozygous or homozygous in at least one similarly affected unrelated individual (3billion dataset). The variant has been reported at least twice as pathogenic with clinical assertions and evidence for the classification (ClinVar ID: VCV000015447 /PMID: 6188062 /3billion dataset). Therefore, this variant is classified as Pathogenic according to the recommendation of ACMG/AMP guideline.

Center for Genomic Medicine, Rigshospitalet, Copenhagen University Hospital
Classification: Pathogenic. Last evaluated: 2025-12-29. Review status: criteria provided, single submitter. Criteria: ACMG Guidelines, 2015. Collection method: clinical testing. Allele origin: germline. Not counted in ClinVar's aggregate classification.

Natera, Inc.
Classification: Pathogenic for Beta thalassemia. Last evaluated: 2025-11-04. Review status: criteria provided, single submitter. Criteria: Natera Variant Classification Schema (03/2026). Collection method: clinical testing. Allele origin: germline. Not counted in ClinVar's aggregate classification.
Comment: The c.92+5G>C variant in HBB is an intronic variant located outside the canonical splice sites. This variant has been observed in one or more individuals affected with the associated recessive disease, as either homozygous or compound heterozygous with a second variant (PMID: 27263053). Given the available evidence, this variant is classified as Pathogenic.

ARUP Laboratories, Molecular Genetics and Genomics, ARUP Laboratories
Classification: Pathogenic. Last evaluated: 2025-07-28. Review status: criteria provided, single submitter. Criteria: ARUP Molecular Germline Variant Investigation Process 2024. Collection method: clinical testing. Allele origin: germline. Not counted in ClinVar's aggregate classification.
Comment: The HBB c.92+5G>C variant (rs33915217, HbVar ID: 824), also known as IVS-I-5 (G->C), is reported in the literature in the homozygous and compound heterozygous state in multiple individuals affected with severe beta(+) thalassemia/ beta(0) thalassemia (Cheng 1984, Muhammad 2017, Panja 2016, Perea 2004, Yasmeen 2016, HbVar database and references therein). This variant is reported as pathogenic by multiple laboratories in ClinVar (Variation ID: 15447), and it is found in the South Asian population with an allele frequency of 0.47% (145/30,612 alleles) in the Genome Aggregation Database. Functional studies demonstrate that the variant causes aberrant splicing, leading to a significant reduction in full-length mRNA (Triesman 1983). Based on available information, the c.92+5G>C variant is considered to be pathogenic. References: Link to HbVar database: Cheng T et al. Beta-Thalassemia in Chinese: use of in vivo RNA analysis and oligonucleotide hybridization in systematic characterization of molecular defects. Proc Natl Acad Sci U S A. 1984 81(9):2821-5. PMID: 6585831 Muhammad R et al. Population-Based Genetic Study of beta-Thalassemia Mutations in Mardan Division, Khyber Pakhtunkhwa Province, Pakistan. Hemoglobin. 2017 Mar;41(2):104-109. PMID: 28635337 Panja A et al. Hb Midnapore [beta53(D4)Ala?Val; HBB: c.161C>T]: A Novel Hemoglobin Variant with a Structural Abnormality Associated with IVS-I-5 (G>C) (HBB: c.92+5G>C) Found in a Bengali Indian Family. Hemoglobin. 2016 Sep;40(5):300-303. PMID: 27690257 Perea FJ Molecular spectrum of beta-thalassemia in the Mexican population. Blood Cells Mol Dis. 2004 Sep-Oct;33(2):150-2. PMID: 15315794 Treisman R et al. Specific transcription and RNA splicing defects in five cloned beta-thalassaemia genes. Nature. 1983 302(5909):591-6. PMID: 6188062 Yasmeen H et al. The molecular characterization of Beta globin gene in thalassemia patients reveals rare and a novel mutations in Pakistani population. Eur J Med Genet. 2016 Aug;59(8):355-62. PMID: 27263053

CeGaT Center for Human Genetics Tuebingen
Classification: Pathogenic. Last evaluated: 2025-05-01. Review status: criteria provided, single submitter. Criteria: CeGaT Center For Human Genetics Tuebingen Variant Classification Criteria Version 2. Collection method: clinical testing. Allele origin: germline. Affected: yes. Observed: 2 variant alleles. Not counted in ClinVar's aggregate classification.
Comment: HBB: PM3:Very Strong, PM2:Supporting, PP3

First Genomix Gene Laboratory, Genetic Diagnostics Department
Classification: Pathogenic for Beta-thalassemia HBB/LCRB. Last evaluated: 2025-03-28. Review status: criteria provided, single submitter. Criteria: ACMG Guidelines, 2015. Collection method: clinical testing. Allele origin: germline. Inheritance: Autosomal recessive inheritance. Affected: no. Observed: 1 variant allele. Not counted in ClinVar's aggregate classification.

Women's Health and Genetics/Laboratory Corporation of America, LabCorp
Classification: Pathogenic for Beta-thalassemia major. Last evaluated: 2025-03-05. Review status: criteria provided, single submitter. Criteria: LabCorp Variant Classification Summary - May 2015. Collection method: clinical testing. Allele origin: germline. Not counted in ClinVar's aggregate classification.
Comment: Variant summary: HBB c.92+5G>C alters a nucleotide located close to a canonical splice site and therefore could affect mRNA splicing, leading to a significantly altered protein sequence. At least one publication reports experimental evidence that this variant affects mRNA splicing. The variant allele was found at a frequency of 0.00059 in 251204 control chromosomes. This frequency is not significantly higher than estimated for a pathogenic variant in HBB causing Beta Thalassemia Major (0.00059 vs 0.011), allowing no conclusion about variant significance. c.92+5G>C has been reported in the literature in multiple individuals affected with Beta Thalassemia Major. These data indicate that the variant is very likely to be associated with disease. At least one publication reports experimental evidence evaluating an impact on protein function and showed that this variant affects RNA splicing. The following publications have been ascertained in the context of this evaluation (PMID: 20132300, 6188062, 16291734). ClinVar contains an entry for this variant (Variation ID: 15447). Based on the evidence outlined above, the variant was classified as pathogenic.

Revvity Omics, Revvity
Classification: Pathogenic. Last evaluated: 2024-11-21. Review status: criteria provided, single submitter. Criteria: ACMG Guidelines, 2015. Collection method: clinical testing. Allele origin: germline. Not counted in ClinVar's aggregate classification.

Blueprint Genetics
Classification: Pathogenic for HBB-related disorders. Last evaluated: 2024-11-13. Review status: criteria provided, single submitter. Criteria: ACMG Guidelines, 2015. Collection method: clinical testing. Allele origin: germline. Affected: yes. Observed: 5 variant alleles. Not counted in ClinVar's aggregate classification.

Genetics and Genomic Medicine Centre, NeuroGen Healthcare, NeuroGen Healthcare
Classification: Pathogenic for Dominant beta-thalassemia. Last evaluated: 2024-10-22. Review status: criteria provided, single submitter. Criteria: ACMG Guidelines, 2015. Collection method: clinical testing. Allele origin: unknown. Affected: yes. Not counted in ClinVar's aggregate classification.

Fulgent Genetics
Classification: Pathogenic for Heinz body anemia; Hereditary persistence of fetal hemoglobin; Dominant beta-thalassemia; Hb SS disease; Malaria, susceptibility to; Beta-thalassemia HBB/LCRB; METHEMOGLOBINEMIA, BETA TYPE; Erythrocytosis, familial, 6. Last evaluated: 2024-06-17. Review status: criteria provided, single submitter. Criteria: ACMG Guidelines, 2015. Collection method: clinical testing. Allele origin: germline. Not counted in ClinVar's aggregate classification.

Genetics Laboratory, Al-Manara University for Medical Sciences
Classification: Pathogenic for Beta-thalassemia HBB/LCRB. Last evaluated: 2024-05-24. Review status: criteria provided, single submitter. Criteria: ACMG Guidelines, 2015. Collection method: research. Allele origin: germline. Affected: yes. Not counted in ClinVar's aggregate classification.
Comment: The HBB:c.92+5G>C (IVS-I-5 G->C) variant in the HBB gene (NM_000518.5) is located in intron 1, with a splice distance of about 5 bases to the nearest splice site. This variant in the HBB gene has been ClinVar submitted previously in patients with beta thalassemia as pathogenic (Accessions: SCV001193843.2, SCV002033787.1, SCV002818289.1, SCV000321761.9, SCV002024973.3, SCV004101499.2, SCV004847537.1, SCV005398823.1, SCV005684714.1, and more). The HBB:c.92+5G>C variant meets criteria to be classified as a pathogenic variant for beta-thalassemia based on the ACMG/AMP criteria applied: PS3_Very Strong, PP3_Strong, PM2_Supporting, and PP5_Supporting.

Genomic Medicine Center of Excellence, King Faisal Specialist Hospital and Research Centre
Classification: Pathogenic for Malaria, susceptibility to. Last evaluated: 2024-03-17. Review status: criteria provided, single submitter. Criteria: ACMG Guidelines, 2015. Collection method: research. Allele origin: germline. Not counted in ClinVar's aggregate classification.